The following is an entry in ClinVar:

ClinVar aggregate classification (germline): Benign/Likely benign. Review status: criteria provided, multiple submitters, no conflicts (2 of 4 stars). 8 submissions from 8 submitters: Benign (1); Likely benign (7). Last evaluated 2026-02-02.

Conditions:
Combined immunodeficiency due to DOCK8 deficiency (HIES2). Also called: HIES autosomal recessive; Hyper-IgE recurrent infection syndrome, autosomal recessive; DOCK8 Deficiency; HYPER-IgE RECURRENT INFECTION SYNDROME 2, AUTOSOMAL RECESSIVE; HYPER-IgE SYNDROME 2, AUTOSOMAL RECESSIVE, WITH RECURRENT INFECTIONS. Identifiers: Orphanet 217390, MedGen C4722305, MONDO:0009478, OMIM 243700.

Allele frequency attached by ClinVar (database versions not stated): gnomAD 0.00186 and 0.00195; 1000 Genomes Project 30x 0.00187; 1000 Genomes Project 0.00200; TOPMed 0.00203; ESP Exome Variant Server 0.00231.
gnomAD v4.1: 799 of 1,613,734 alleles (0.05%); highest among the groups gnomAD compares: African/African-American, 0.62%; 3 homozygotes.

Submissions (8):

Labcorp Genetics (formerly Invitae), Labcorp
Classification: Benign for Combined immunodeficiency due to DOCK8 deficiency. Last evaluated: 2026-02-02. Review status: criteria provided, single submitter. Criteria: Invitae Variant Classification Sherloc (09022015). Collection method: clinical testing. Allele origin: germline.

Women's Health and Genetics/Laboratory Corporation of America, LabCorp
Classification: Likely benign. Last evaluated: 2026-01-23. Review status: criteria provided, single submitter. Criteria: LabCorp Variant Classification Summary - May 2015. Collection method: clinical testing. Allele origin: germline.

Mayo Clinic Laboratories, Mayo Clinic
Classification: Likely benign. Last evaluated: 2025-10-16. Review status: criteria provided, single submitter. Criteria: ACMG Guidelines, 2015. Collection method: clinical testing. Allele origin: germline. Observed: 1 variant allele.
Comment: BS1, BP4, BP7

Blueprint Genetics
Classification: Likely benign. Last evaluated: 2024-09-02. Review status: criteria provided, single submitter. Criteria: ACMG Guidelines, 2015. Collection method: clinical testing. Allele origin: germline.

CeGaT Center for Human Genetics Tuebingen
Classification: Likely benign. Last evaluated: 2022-12-01. Review status: criteria provided, single submitter. Criteria: CeGaT Center For Human Genetics Tuebingen Variant Classification Criteria Version 2. Collection method: clinical testing. Allele origin: germline. Affected: yes. Observed: 1 variant allele.
Comment: DOCK8: BP4, BP7

Illumina Laboratory Services, Illumina
Classification: Likely benign for Combined immunodeficiency due to DOCK8 deficiency. Last evaluated: 2018-01-12. Review status: criteria provided, single submitter. Criteria: ICSL Variant Classification Criteria 13 December 2019. Collection method: clinical testing. Allele origin: germline.
Comment: This variant was observed in the ICSL laboratory as part of a predisposition screen in an ostensibly healthy population. It had not been previously curated by ICSL or reported in the Human Gene Mutation Database (HGMD: prior to June 1st, 2018), and was therefore a candidate for classification through an automated scoring system. Utilizing variant allele frequency, disease prevalence and penetrance estimates, and inheritance mode, an automated score was calculated to assess if this variant is too frequent to cause the disease. Based on the score and internal cut-off values, a variant classified as likely benign is not then subjected to further curation. The score for this variant resulted in a classification of likely benign for this disease.

GeneDx
Classification: Likely benign. Last evaluated: 2017-04-17. Review status: criteria provided, single submitter. Criteria: GeneDx Variant Classification (06012015). Collection method: clinical testing. Allele origin: germline. Affected: yes.
Comment: This variant is considered likely benign or benign based on one or more of the following criteria: it is a conservative change, it occurs at a poorly conserved position in the protein, it is predicted to be benign by multiple in silico algorithms, and/or has population frequency not consistent with disease.

Breakthrough Genomics
Classification: Likely benign. Review status: criteria provided, single submitter. Criteria: ACMG Guidelines, 2015. Collection method: not provided. Allele origin: germline. Inheritance: Autosomal recessive inheritance. Affected: yes.

NM_203447.4(DOCK8):c.4158C>T (p.Asn1386=)

Gene: DOCK8 (dedicator of cytokinesis 8; plus strand). Cytogenetic location: 9p24.3.
Variant type: single nucleotide variant.
Coding change: c.4158C>T on transcript NM_203447.4 (MANE Select); coding-DNA position 4158, C replaced by T.
Protein change: p.Asn1386=; no amino-acid change (asparagine 1386 retained).
Molecular consequence: synonymous variant.
Genome position (GRCh38, 1-based): chr9:422,052, C>T. VCF-style: chr9-422052-C-T. GRCh37 (hg19) VCF-style: chr9-422052-C-T.
Other names: p.Asn1386=; c.3858C>T, p.Asn1286= (NM_001190458.2); c.3954C>T, p.Asn1318= (NM_001193536.2).
Identifiers: ClinVar variation 512115 (VCV000512115.42), dbSNP rs77803650, ClinGen allele CA4958967.